The following is an entry in ClinVar:

ClinVar aggregate classification (germline): Uncertain significance (1 of 4 stars; one submission).

Conditions:
Oligodontia-cancer predisposition syndrome. Also called: TOOTH AGENESIS-COLORECTAL CANCER SYNDROME. Identifiers: Orphanet 300576, MedGen C1837750, MONDO:0012075, OMIM 608615. Disease mechanism: loss of function.

Submission:

Labcorp Genetics (formerly Invitae), Labcorp
Classification: Uncertain significance for Oligodontia-cancer predisposition syndrome. Last evaluated: 2021-05-30. Review status: criteria provided, single submitter. Criteria: Invitae Variant Classification Sherloc (09022015). Collection method: clinical testing. Allele origin: germline.
Comment: In summary, the available evidence is currently insufficient to determine the role of this variant in disease. Therefore, it has been classified as a Variant of Uncertain Significance. Algorithms developed to predict the effect of missense changes on protein structure and function (SIFT, PolyPhen-2, Align-GVGD) all suggest that this variant is likely to be disruptive, but these predictions have not been confirmed by published functional studies and their clinical significance is uncertain. This variant has not been reported in the literature in individuals with AXIN2-related conditions. This variant is not present in population databases (ExAC no frequency). This sequence change replaces glycine with arginine at codon 63 of the AXIN2 protein (p.Gly63Arg). The glycine residue is highly conserved and there is a moderate physicochemical difference between glycine and arginine.

NM_004655.4(AXIN2):c.187G>A (p.Gly63Arg)

Gene: AXIN2 (axin 2; minus strand). Cytogenetic location: 17q24.1.
Variant type: single nucleotide variant.
Coding change: c.187G>A on transcript NM_004655.4 (MANE Select); coding-DNA position 187, G replaced by A.
Protein change: p.Gly63Arg; replaces glycine 63 with arginine.
Molecular consequence: missense variant.
Genome position (GRCh38, 1-based): chr17:65,558,434, C>T on the plus strand (G>A on the coding strand, the complement: AXIN2 is on the minus strand). VCF-style: chr17-65558434-C-T. GRCh37 (hg19) VCF-style: chr17-63554552-C-T.
Other names: c.187G>A, p.Gly63Arg (NM_001363813.1); short protein forms G63R.
Identifiers: ClinVar variation 1430376 (VCV001430376.8), dbSNP rs1060502158, ClinGen allele CA400681938.